The following is an entry in ClinVar:

NM_000016.6(ACADM):c.425del (p.Lys142fs)

Gene: ACADM (acyl-CoA dehydrogenase medium chain; plus strand). Cytogenetic location: 1p31.1.
Variant type: Deletion.
Coding change: c.425del on transcript NM_000016.6 (MANE Select); coding-DNA position 425, one base deleted (A; older notation c.425delA).
Protein change: p.Lys142fs; shifts the reading frame from lysine 142.
Molecular consequence: frameshift variant. On other transcripts: intron variant (1).
Genome position (GRCh38, 1-based): chr1:75,734,828, A deleted; the last of 4 consecutive A bases (chr1:75,734,825-75,734,828); deleting any one gives the same sequence. VCF-style (leftmost placement, unchanged base first): chr1-75734824-CA-C. GRCh37 (hg19) VCF-style: chr1-76200509-CA-C.
Other names: c.425delA (NM_000016.5); c.437del, p.Lys146fs (NM_001127328.3); c.317del, p.Lys106fs (NM_001286042.2); c.524del, p.Lys175fs (NM_001286043.2); c.-100+1906del (NM_001286044.2); short protein forms K106fs, K142fs, K175fs, K146fs.
Identifiers: ClinVar variation 458787 (VCV000458787.6), dbSNP rs886042087, ClinGen allele CA658656941.
Genomic context (GRCh38, chr1:75,734,824, plus strand): 5'-TTTTTTAATGTCAATTTTCTTCGGTAGCAAATGCCTATTATTATTGCTGGAAATGATCAA[CA>C]AAAGAAGAAGTATTTGGGGAGAATGACTGAGGAGCCATTGATGTGTGTGAGTATGTGTAA-3'

ClinVar aggregate classification (germline): Pathogenic (1 of 4 stars; one submission).

Conditions:
Medium-chain acyl-coenzyme A dehydrogenase deficiency (ACADMD). Also called: MCADH DEFICIENCY; MCADD; Medium chain acyl-CoA dehydrogenase deficiency; CARNITINE DEFICIENCY SECONDARY TO MEDIUM-CHAIN ACYL-CoA DEHYDROGENASE DEFICIENCY; ACADM DEFICIENCY; MCAD Deficiency. Identifiers: Orphanet 42, MedGen C0220710, MONDO:0008721, OMIM 201450.

Submission:

Labcorp Genetics (formerly Invitae), Labcorp
Classification: Pathogenic for Medium-chain acyl-coenzyme A dehydrogenase deficiency. Last evaluated: 2017-07-13. Review status: criteria provided, single submitter. Criteria: Invitae Variant Classification Sherloc (09022015). Collection method: clinical testing. Allele origin: germline.
Comment: For these reasons, this variant has been classified as Pathogenic. Loss-of-function variants in ACADM are known to be pathogenic (PMID: 16121256, 20434380). This variant has not been reported in the literature in individuals with ACADM-related disease. This variant is not present in population databases (ExAC no frequency). This sequence change creates a premature translational stop signal (p.Lys142Argfs*8) in the ACADM gene. It is expected to result in an absent or disrupted protein product.

Literature cited by the submitters: PubMed 16121256; PubMed 20434380.